The following is an entry in ClinVar:

ClinVar aggregate classification (germline): Conflicting classifications of pathogenicity. Review status: criteria provided, conflicting classifications (1 of 4 stars). 4 submissions from 4 submitters: Uncertain significance (3); Benign (1). Last evaluated 2025-05-23.

Conditions:
Hereditary cancer-predisposing syndrome. Also called: Tumor predisposition; Hereditary Cancer Syndrome; Hereditary neoplastic syndrome; Neoplastic Syndromes, Hereditary. Identifiers: Orphanet 140162, MedGen C0027672, MeSH D009386, MONDO:0015356.
Hereditary breast ovarian cancer syndrome. Also called: Breast and ovarian cancer; Hereditary breast and ovarian cancer; Hereditary breast and/or ovarian cancer syndrome; BRCA1- and BRCA2-Associated Hereditary Breast and Ovarian Cancer; Hereditary breast and ovarian cancer syndrome (HBOC); Hereditary breast and ovarian cancer syndrome. Identifiers: Orphanet 145, MedGen C0677776, MeSH D061325, MONDO:0003582. Disease mechanism: loss of function.

Allele frequency attached by ClinVar (database versions not stated): gnomAD exomes below 0.00001.

Submissions (4):

Ambry Genetics
Classification: Benign for Hereditary cancer-predisposing syndrome. Last evaluated: 2025-05-23. Review status: criteria provided, single submitter. Criteria: Ambry Variant Classification Scheme 2023. Collection method: clinical testing. Allele origin: germline.

Labcorp Genetics (formerly Invitae), Labcorp
Classification: Uncertain significance for Hereditary breast ovarian cancer syndrome. Last evaluated: 2024-04-25. Review status: criteria provided, single submitter. Criteria: Invitae Variant Classification Sherloc (09022015). Collection method: clinical testing. Allele origin: germline.
Comment: This sequence change replaces alanine, which is neutral and non-polar, with serine, which is neutral and polar, at codon 2857 of the BRCA2 protein (p.Ala2857Ser). This variant is present in population databases (rs730881565, gnomAD 0.003%). This variant has not been reported in the literature in individuals affected with BRCA2-related conditions. ClinVar contains an entry for this variant (Variation ID: 182252). Advanced modeling of protein sequence and biophysical properties (such as structural, functional, and spatial information, amino acid conservation, physicochemical variation, residue mobility, and thermodynamic stability) performed at Invitae indicates that this missense variant is not expected to disrupt BRCA2 protein function with a negative predictive value of 95%. In summary, the available evidence is currently insufficient to determine the role of this variant in disease. Therefore, it has been classified as a Variant of Uncertain Significance.

Color Diagnostics, LLC DBA Color Health
Classification: Uncertain significance for Hereditary cancer-predisposing syndrome. Last evaluated: 2024-03-06. Review status: criteria provided, single submitter. Criteria: ACMG Guidelines, 2015. Collection method: clinical testing. Allele origin: germline.
Comment: This missense variant replaces alanine with serine at codon 2857 of the BRCA2 protein. Computational prediction suggests that this variant may not impact protein structure and function (internally defined REVEL score threshold <= 0.5, PMID: 27666373). To our knowledge, functional studies have not been reported for this variant. This variant has not been reported in individuals affected with hereditary cancer in the literature. This variant has been identified in 1/251218 chromosomes in the general population by the Genome Aggregation Database (gnomAD). The available evidence is insufficient to determine the role of this variant in disease conclusively. Therefore, this variant is classified as a Variant of Uncertain Significance.

GeneDx
Classification: Uncertain significance. Last evaluated: 2014-01-27. Review status: criteria provided, single submitter. Criteria: GeneDx Variant Classification (06012015). Collection method: clinical testing. Allele origin: germline. Affected: yes.
Comment: This variant is denoted BRCA2 c.8569G>T at the cDNA level, p.Ala2857Ser (A2857S) at the protein level, and results in the change of an Alanine to a Serine (GCC>TCC). This variant has not, to our knowledge, been published in the literature as pathogenic or benign. BRCA2 Ala2857Ser was not observed in approximately 6,500 individuals of European and African American ancestry in the NHLBI Exome Sequencing Project, indicating it is not a common benign variant in these populations. This variant is a non-conservative substitution in which a neutral non-polar amino acid is replaced with a neutral polar one, altering a position that is highly variable throughout evolution and is located in the DNA binding domain (Borg 2010). In silico analyses predict this variant to have a benign effect on protein structure and function. Based on currently available information, it is unclear whether BRCA2 Ala2857Ser is pathogenic or benign. We consider it to be a variant of uncertain significance.

NM_000059.4(BRCA2):c.8569G>T (p.Ala2857Ser)

Gene: BRCA2 (BRCA2 DNA repair associated; plus strand). Cytogenetic location: 13q13.1.
Variant type: single nucleotide variant.
Coding change: c.8569G>T on transcript NM_000059.4 (MANE Select); coding-DNA position 8569, G replaced by T.
Protein change: p.Ala2857Ser; replaces alanine 2857 with serine.
Molecular consequence: missense variant.
Genome position (GRCh38, 1-based): chr13:32,371,037, G>T. VCF-style: chr13-32371037-G-T. GRCh37 (hg19) VCF-style: chr13-32945174-G-T.
Other names: p.A2857S:GCC>TCC; short protein forms A2857S.
Identifiers: ClinVar variation 182252 (VCV000182252.16), dbSNP rs730881565, ClinGen allele CA025713.